The following is an entry in ClinVar:

ClinVar aggregate classification (germline): Benign/Likely benign. Review status: criteria provided, multiple submitters, no conflicts (2 of 4 stars). 4 submissions from 4 submitters: Benign (3); Likely benign (1). Last evaluated 2025-12-27.

Conditions:
Microcytic anemia. Identifiers: MedGen C5194182, MONDO:0001245, HP:0001935. Disease mechanism: loss of function.

Allele frequency attached by ClinVar (database versions not stated): gnomAD exomes 0.00040 and 0.00093; ExAC 0.00263; 1000 Genomes Project 0.00399; ESP Exome Variant Server 0.00410; 1000 Genomes Project 30x 0.00437; gnomAD 0.00449 and 0.00484; TOPMed 0.00518.
gnomAD v4.1: 1,285 of 1,558,634 alleles (0.082%); highest among the groups gnomAD compares: African/African-American, 1.6%; 16 homozygotes.

Submissions (4):

Labcorp Genetics (formerly Invitae), Labcorp
Classification: Benign. Last evaluated: 2025-12-27. Review status: criteria provided, single submitter. Criteria: Invitae Variant Classification Sherloc (09022015). Collection method: clinical testing. Allele origin: germline.

Blueprint Genetics
Classification: Likely benign. Last evaluated: 2024-08-06. Review status: criteria provided, single submitter. Criteria: ACMG Guidelines, 2015. Collection method: clinical testing. Allele origin: germline.

Illumina Laboratory Services, Illumina
Classification: Benign for Iron-refractory iron deficiency anemia. Last evaluated: 2018-01-13. Review status: criteria provided, single submitter. Criteria: ICSL Variant Classification Criteria 13 December 2019. Collection method: clinical testing. Allele origin: germline.
Comment: This variant was observed in the ICSL laboratory as part of a predisposition screen in an ostensibly healthy population. It had not been previously curated by ICSL or reported in the Human Gene Mutation Database (HGMD: prior to June 1st, 2018), and was therefore a candidate for classification through an automated scoring system. Utilizing variant allele frequency, disease prevalence and penetrance estimates, and inheritance mode, an automated score was calculated to assess if this variant is too frequent to cause the disease. Based on the score and internal cut-off values, a variant classified as benign is not then subjected to further curation. The score for this variant resulted in a classification of benign for this disease.

Breakthrough Genomics
Classification: Benign. Review status: criteria provided, single submitter. Criteria: ACMG Guidelines, 2015. Collection method: not provided. Allele origin: germline. Inheritance: Autosomal recessive inheritance. Affected: yes.

NM_001374504.1(TMPRSS6):c.2074C>T (p.His692Tyr)

Gene: TMPRSS6 (transmembrane serine protease 6; minus strand). Cytogenetic location: 22q12.3.
Variant type: single nucleotide variant.
Coding change: c.2074C>T on transcript NM_001374504.1 (MANE Select); coding-DNA position 2074, C replaced by T.
Protein change: p.His692Tyr; replaces histidine 692 with tyrosine.
Molecular consequence: missense variant.
Genome position (GRCh38, 1-based): chr22:37,069,112, G>A on the plus strand (C>T on the coding strand, the complement: TMPRSS6 is on the minus strand). VCF-style: chr22-37069112-G-A. GRCh37 (hg19) VCF-style: chr22-37465152-G-A.
Other names: c.2074C>T, p.His692Tyr (NM_001289000.2, NM_001289001.2, NM_153609.4); short protein forms H692Y.
Identifiers: ClinVar variation 902217 (VCV000902217.13), dbSNP rs200332661, ClinGen allele CA10215392.